The following is an entry in ClinVar:

NM_172107.4(KCNQ2):c.1667A>G (p.Lys556Arg)

Gene: KCNQ2 (potassium voltage-gated channel subfamily Q member 2; minus strand). Cytogenetic location: 20q13.33.
Variant type: single nucleotide variant.
Coding change: c.1667A>G on transcript NM_172107.4 (MANE Select); coding-DNA position 1667, A replaced by G.
Protein change: p.Lys556Arg; replaces lysine 556 with arginine.
Molecular consequence: missense variant.
Genome position (GRCh38, 1-based): chr20:63,413,546, T>C on the plus strand (A>G on the coding strand, the complement: KCNQ2 is on the minus strand). VCF-style: chr20-63413546-T-C. GRCh37 (hg19) VCF-style: chr20-62044899-T-C.
Other names: c.1583A>G, p.Lys528Arg (NM_004518.6); c.1613A>G, p.Lys538Arg (NM_172106.3, NM_001382235.1); c.1574A>G, p.Lys525Arg (NM_172108.5); short protein forms K525R, K528R, K556R, K538R.
Identifiers: ClinVar variation 2749889 (VCV002749889.3), dbSNP rs2516168233, ClinGen allele CA409643903.

ClinVar aggregate classification (germline): Likely pathogenic (1 of 4 stars; one submission).

Conditions:
Early-infantile DEE. Also called: Ohtahara syndrome; Early infantile epileptic encephalopathy; Early infantile epileptic encephalopathy with suppression bursts. Identifiers: Orphanet 1934, MedGen C0393706, MONDO:0800491.

Submission:

Labcorp Genetics (formerly Invitae), Labcorp
Classification: Likely pathogenic for Early-infantile DEE. Last evaluated: 2023-11-27. Review status: criteria provided, single submitter. Criteria: Invitae Variant Classification Sherloc (09022015). Collection method: clinical testing. Allele origin: germline.
Comment: This sequence change replaces lysine, which is basic and polar, with arginine, which is basic and polar, at codon 556 of the KCNQ2 protein (p.Lys556Arg). This variant is not present in population databases (gnomAD no frequency). This missense change has been observed in individual(s) with clinical features of developmental and epileptic encephalopathy (Invitae). Advanced modeling of protein sequence and biophysical properties (such as structural, functional, and spatial information, amino acid conservation, physicochemical variation, residue mobility, and thermodynamic stability) performed at Invitae indicates that this missense variant is expected to disrupt KCNQ2 protein function with a positive predictive value of 95%. This variant disrupts the p.Lys556 amino acid residue in KCNQ2. Other variant(s) that disrupt this residue have been determined to be pathogenic (PMID: 24107868). This suggests that this residue is clinically significant, and that variants that disrupt this residue are likely to be disease-causing. In summary, the currently available evidence indicates that the variant is pathogenic, but additional data are needed to prove that conclusively. Therefore, this variant has been classified as Likely Pathogenic.

Literature cited by the submitters: PubMed 24107868.